The following is an entry in ClinVar:

ClinVar aggregate classification (germline): Conflicting classifications of pathogenicity. Review status: criteria provided, conflicting classifications (1 of 4 stars). 2 submissions from 2 submitters: Uncertain significance (1); Likely benign (1). Last evaluated 2026-05-05.

Conditions:
Hereditary cancer-predisposing syndrome. Also called: Hereditary neoplastic syndrome; Neoplastic Syndromes, Hereditary; Tumor predisposition; Hereditary Cancer Syndrome. Identifiers: Orphanet 140162, MedGen C0027672, MeSH D009386, MONDO:0015356.
Fanconi anemia complementation group O. Also called: RAD51C-Related Fanconi Anemia. Identifiers: Orphanet 84, MedGen C3150653, MONDO:0013248, OMIM 613390.

Submissions (2):

Ambry Genetics
Classification: Likely benign for Hereditary cancer-predisposing syndrome. Last evaluated: 2026-05-05. Review status: criteria provided, single submitter. Criteria: Ambry Variant Classification Scheme 2023. Collection method: clinical testing. Allele origin: germline.

Labcorp Genetics (formerly Invitae), Labcorp
Classification: Uncertain significance for Fanconi anemia complementation group O. Last evaluated: 2023-04-15. Review status: criteria provided, single submitter. Criteria: Invitae Variant Classification Sherloc (09022015). Collection method: clinical testing. Allele origin: germline.
Comment: In summary, the available evidence is currently insufficient to determine the role of this variant in disease. Therefore, it has been classified as a Variant of Uncertain Significance. Advanced modeling of protein sequence and biophysical properties (such as structural, functional, and spatial information, amino acid conservation, physicochemical variation, residue mobility, and thermodynamic stability) performed at Invitae indicates that this missense variant is not expected to disrupt RAD51C protein function. This variant has not been reported in the literature in individuals affected with RAD51C-related conditions. This variant is not present in population databases (gnomAD no frequency). This sequence change replaces valine, which is neutral and non-polar, with alanine, which is neutral and non-polar, at codon 41 of the RAD51C protein (p.Val41Ala).

Literature cited by the submitters: PubMed 39299233 (cited by Ambry Genetics).

NM_058216.3(RAD51C):c.122T>C (p.Val41Ala)

Gene: RAD51C (RAD51 paralog C; plus strand). Cytogenetic location: 17q22.
Variant type: single nucleotide variant.
Coding change: c.122T>C on transcript NM_058216.3 (MANE Select); coding-DNA position 122, T replaced by C.
Protein change: p.Val41Ala; replaces valine 41 with alanine.
Molecular consequence: missense variant. On other transcripts: non-coding transcript variant (1).
Genome position (GRCh38, 1-based): chr17:58,692,765, T>C. VCF-style: chr17-58692765-T-C. GRCh37 (hg19) VCF-style: chr17-56770126-T-C.
Other names: c.122T>C, p.Val41Ala (NM_002876.4, NM_058217.1); short protein forms V41A.
Identifiers: ClinVar variation 2996623 (VCV002996623.4), dbSNP rs2143679695, ClinGen allele CA400337616.